The following is an entry in ClinVar:

ClinVar aggregate classification (germline): Uncertain significance (0 of 4 stars; one submission).

Conditions:
PEX2-related disorder. Also called: PEX2-related condition.

Submission:

PreventionGenetics, part of Exact Sciences
Classification: Uncertain significance for PEX2-related condition. Last evaluated: 2023-12-06. Review status: no assertion criteria provided. Collection method: clinical testing. Allele origin: germline.
Comment: The PEX2 c.338G>A variant is predicted to result in the amino acid substitution p.Gly113Asp. To our knowledge, this variant has not been reported in the literature or in a large population database, indicating this variant is rare. At this time, the clinical significance of this variant is uncertain due to the absence of conclusive functional and genetic evidence.

NM_000318.3(PEX2):c.338G>A (p.Gly113Asp)

Gene: PEX2 (peroxisomal biogenesis factor 2; minus strand). Cytogenetic location: 8q21.13.
Variant type: single nucleotide variant.
Coding change: c.338G>A on transcript NM_000318.3 (MANE Select); coding-DNA position 338, G replaced by A.
Protein change: p.Gly113Asp; replaces glycine 113 with aspartic acid.
Molecular consequence: missense variant.
Genome position (GRCh38, 1-based): chr8:76,983,841, C>T on the plus strand (G>A on the coding strand, the complement: PEX2 is on the minus strand). VCF-style: chr8-76983841-C-T. GRCh37 (hg19) VCF-style: chr8-77896077-C-T.
Other names: c.338G>A, p.Gly113Asp (NM_001079867.2, NM_001172086.2, NM_001172087.2); short protein forms G113D.
Identifiers: ClinVar variation 3029812 (VCV003029812.2), dbSNP rs2487452570, ClinGen allele CA371557564.